The following is an entry in ClinVar:

NM_000057.4(BLM):c.290A>G (p.Gln97Arg)

Gene: BLM (BLM RecQ like helicase; plus strand). Cytogenetic location: 15q26.1.
Variant type: single nucleotide variant.
Coding change: c.290A>G on transcript NM_000057.4 (MANE Select); coding-DNA position 290, A replaced by G.
Protein change: p.Gln97Arg; replaces glutamine 97 with arginine.
Molecular consequence: missense variant. On other transcripts: 5 prime UTR variant (1).
Genome position (GRCh38, 1-based): chr15:90,749,558, A>G. VCF-style: chr15-90749558-A-G. GRCh37 (hg19) VCF-style: chr15-91292788-A-G.
Other names: c.290A>G, p.Gln97Arg (NM_001287246.2, NM_001287247.2); c.-1002A>G (NM_001287248.2); short protein forms Q97R.
Identifiers: ClinVar variation 1797553 (VCV001797553.5), dbSNP rs1895608704, ClinGen allele CA393840156.

ClinVar aggregate classification (germline): Uncertain significance. Review status: criteria provided, multiple submitters, no conflicts (2 of 4 stars). 2 submissions from 2 submitters: Uncertain significance (2). Last evaluated 2025-07-25.

Conditions:
Hereditary cancer-predisposing syndrome. Also called: Neoplastic Syndromes, Hereditary; Tumor predisposition; Hereditary Cancer Syndrome; Hereditary neoplastic syndrome. Identifiers: Orphanet 140162, MedGen C0027672, MeSH D009386, MONDO:0015356.
Bloom syndrome (BLM). Also called: Bloom-Torre-Machacek syndrome. Identifiers: Orphanet 125, MedGen C0005859, MONDO:0008876, OMIM 210900.

Allele frequency attached by ClinVar (database versions not stated): gnomAD exomes below 0.00001.

Submissions (2):

Ambry Genetics
Classification: Uncertain significance for Hereditary cancer-predisposing syndrome. Last evaluated: 2025-07-25. Review status: criteria provided, single submitter. Criteria: Ambry Variant Classification Scheme 2023. Collection method: clinical testing. Allele origin: germline.
Comment: The p.Q97R variant (also known as c.290A>G), located in coding exon 2 of the BLM gene, results from an A to G substitution at nucleotide position 290. The glutamine at codon 97 is replaced by arginine, an amino acid with highly similar properties. This amino acid position is conserved. In addition, this alteration is predicted to be tolerated by in silico analysis. Since supporting evidence is limited at this time, the clinical significance of this alteration remains unclear.

Labcorp Genetics (formerly Invitae), Labcorp
Classification: Uncertain significance for Bloom syndrome. Last evaluated: 2024-05-13. Review status: criteria provided, single submitter. Criteria: Invitae Variant Classification Sherloc (09022015). Collection method: clinical testing. Allele origin: germline.
Comment: This sequence change replaces glutamine, which is neutral and polar, with arginine, which is basic and polar, at codon 97 of the BLM protein (p.Gln97Arg). This variant is not present in population databases (gnomAD no frequency). This variant has not been reported in the literature in individuals affected with BLM-related conditions. ClinVar contains an entry for this variant (Variation ID: 1797553). An algorithm developed to predict the effect of missense changes on protein structure and function (PolyPhen-2) suggests that this variant is likely to be tolerated. In summary, the available evidence is currently insufficient to determine the role of this variant in disease. Therefore, it has been classified as a Variant of Uncertain Significance.